The following is an entry in ClinVar:

ClinVar aggregate classification (germline): Pathogenic (1 of 4 stars; one submission).

Conditions:
Recessive dystrophic epidermolysis bullosa (RDEB). Also called: DYSTROPHIC EPIDERMOLYSIS BULLOSA, AUTOSOMAL RECESSIVE; EPIDERMOLYSIS BULLOSA DYSTROPHICA, HALLOPEAU-SIEMENS TYPE; Hallopeau-Siemens Disease; severe generalized recessive dystrophic epidermolysis bullosa; EPIDERMOLYSIS BULLOSA DYSTROPHICA, GENERALIZED SEVERE, AUTOSOMAL RECESSIVE; Epidermolysis Bullosa Distrophica Autosomal Recessive (RDEB). Identifiers: Orphanet 79408, Orphanet 79409, MedGen C0079474, MONDO:0009179, OMIM 226600.

gnomAD v4.1: 1 of 1,613,808 alleles (0.000062%); highest among the groups gnomAD compares: Non-Finnish European, 0.000085%; no homozygotes.

Submission:

Myriad Genetics, Inc.
Classification: Pathogenic for Recessive dystrophic epidermolysis bullosa. Last evaluated: 2025-04-19. Review status: criteria provided, single submitter. Criteria: Myriad Autosomal Dominant, Autosomal Recessive and X-Linked Classification Criteria (2023). Collection method: clinical testing. Allele origin: unknown.
Comment: NM_000094.3(COL7A1):c.1543C>T(Q515*) is expected to be pathogenic in the context of dystrophic epidermolysis bullosa. This variant is predicted to lead to an abnormal or absent protein product due to the creation of a premature termination codon in COL7A1, a gene where loss-of-function variants are known to be pathogenic. Please note: this variant was assessed in the context of healthy population screening.

NM_000094.4(COL7A1):c.1543C>T (p.Gln515Ter)

Gene: COL7A1 (collagen type VII alpha 1 chain; minus strand). Cytogenetic location: 3p21.31.
Variant type: single nucleotide variant.
Coding change: c.1543C>T on transcript NM_000094.4 (MANE Select); coding-DNA position 1543, C replaced by T.
Protein change: p.Gln515Ter; replaces glutamine 515 with a stop codon.
Molecular consequence: nonsense.
Genome position (GRCh38, 1-based): chr3:48,591,557, G>A on the plus strand (C>T on the coding strand, the complement: COL7A1 is on the minus strand). VCF-style: chr3-48591557-G-A. GRCh37 (hg19) VCF-style: chr3-48628990-G-A.
Other names: short protein forms Q515*.
Identifiers: ClinVar variation 5014341 (VCV005014341.1).